The following is an entry in ClinVar:

NM_000460.4(THPO):c.13+1G>T

Gene: THPO (thrombopoietin; minus strand). Cytogenetic location: 3q27.1.
Variant type: single nucleotide variant.
Coding change: c.13+1G>T on transcript NM_000460.4 (MANE Select); the canonical splice donor site of the intron after coding-DNA position 13, G replaced by T.
Molecular consequence: splice donor variant.
Genome position (GRCh38, 1-based): chr3:184,376,246, C>A on the plus strand (G>T on the coding strand, the complement: THPO is on the minus strand). VCF-style: chr3-184376246-C-A. GRCh37 (hg19) VCF-style: chr3-184094034-C-A.
Other names: c.13+1G>T (NM_001290028.1, NM_001290026.1, NM_001290022.1 and 5 more transcripts); c.433+1G>T (NM_001290003.1).
Identifiers: ClinVar variation 3659127 (VCV003659127.2).

ClinVar aggregate classification (germline): Pathogenic (1 of 4 stars; one submission).

Submission:

Labcorp Genetics (formerly Invitae), Labcorp
Classification: Pathogenic. Last evaluated: 2024-07-10. Review status: criteria provided, single submitter. Criteria: Invitae Variant Classification Sherloc (09022015). Collection method: clinical testing. Allele origin: germline.
Comment: This sequence change affects a donor splice site in intron 2 of the THPO gene. It is expected to disrupt RNA splicing. Variants that disrupt the donor or acceptor splice site typically lead to a loss of protein function (PMID: 16199547), however the current clinical and genetic evidence is not sufficient to establish whether loss-of-function variants in THPO cause disease. This variant is not present in population databases (gnomAD no frequency). Disruption of this splice site has been observed in individual(s) with hereditary thrombocythemia (PMID: 22453305). It has also been observed to segregate with disease in related individuals. Algorithms developed to predict the effect of sequence changes on RNA splicing suggest that this variant may disrupt the consensus splice site. For these reasons, this variant has been classified as Pathogenic.

Literature cited by the submitters: PubMed 16199547; PubMed 22453305.